The following is an entry in ClinVar:

NM_003041.4(SLC5A2):c.1381A>G (p.Ser461Gly)

Gene: SLC5A2 (solute carrier family 5 member 2; plus strand). Cytogenetic location: 16p11.2.
Variant type: single nucleotide variant.
Coding change: c.1381A>G on transcript NM_003041.4 (MANE Select); coding-DNA position 1381, A replaced by G.
Protein change: p.Ser461Gly; replaces serine 461 with glycine.
Molecular consequence: missense variant.
Genome position (GRCh38, 1-based): chr16:31,488,980, A>G. VCF-style: chr16-31488980-A-G. GRCh37 (hg19) VCF-style: chr16-31500301-A-G.
Other names: short protein forms S461G.
Identifiers: ClinVar variation 4277277 (VCV004277277.1).

ClinVar aggregate classification (germline): Uncertain significance (1 of 4 stars; one submission).

Conditions:
Familial renal glucosuria (GLYS). Also called: RENAL GLUCOSURIA, AUTOSOMAL DOMINANT; Familial renal glycosuria. Identifiers: Orphanet 69076, MedGen C3245525, MONDO:0009297, OMIM 233100.

Submission:

MVZ Medizinische Genetik Mainz
Classification: Uncertain significance for Familial renal glucosuria. Last evaluated: 2025-08-20. Review status: criteria provided, single submitter. Criteria: UK Practice Guidelines For Variant Classification V4 01 2020. Collection method: clinical testing. Allele origin: germline. Inheritance: Autosomal dominant inheritance. Affected: yes. Observed: 1 variant allele.
Comment: ACMG Criteria: PM2_SUP,PM5_SUP,PP3